The following is an entry in ClinVar:

ClinVar aggregate classification (germline): Uncertain significance. Review status: criteria provided, multiple submitters, no conflicts (2 of 4 stars). 2 submissions from 2 submitters: Uncertain significance (2). Last evaluated 2021-07-14.

Conditions:
Desmin-related myofibrillar myopathy (MFM1). Also called: Myofibrillar myopathy 1; Desminopathy; Desmin related myopathy (former name); Desmin storage myopathy (former name); MYOFIBRILLAR MYOPATHY WITH ARRHYTHMOGENIC RIGHT VENTRICULAR CARDIOMYOPATHY; DESMIN-RELATED MYOPATHY WITH ARRHYTHMOGENIC RIGHT VENTRICULAR CARDIOMYOPATHY. Identifiers: Orphanet 363543, Orphanet 98909, MedGen C1832370, MONDO:0011076, OMIM 601419.

Submissions (2):

Labcorp Genetics (formerly Invitae), Labcorp
Classification: Uncertain significance for Desmin-related myofibrillar myopathy. Last evaluated: 2021-07-14. Review status: criteria provided, single submitter. Criteria: Invitae Variant Classification Sherloc (09022015). Collection method: clinical testing. Allele origin: germline.
Comment: This variant, c.1158_1160del, results in the deletion of 1 amino acid(s) of the DES protein (p.Glu387del), but otherwise preserves the integrity of the reading frame. This variant is not present in population databases (ExAC no frequency). This variant has not been reported in the literature in individuals affected with DES-related conditions. Algorithms developed to predict the effect of sequence changes on RNA splicing suggest that this variant may create or strengthen a splice site. In summary, the available evidence is currently insufficient to determine the role of this variant in disease. Therefore, it has been classified as a Variant of Uncertain Significance.

GeneDx
Classification: Uncertain significance. Last evaluated: 2021-04-13. Review status: criteria provided, single submitter. Criteria: GeneDx Variant Classification Process June 2021. Collection method: clinical testing. Allele origin: germline. Affected: yes.
Comment: Not observed in large population cohorts (Lek et al., 2016); In silico analysis, which includes protein predictors and evolutionary conservation, supports a deleterious effect; Has not been previously published as pathogenic or benign to our knowledge

NM_001927.4(DES):c.1158_1160del (p.Glu387del)

Gene: DES (desmin; plus strand). Cytogenetic location: 2q35.
Variant type: Deletion.
Coding change: c.1158_1160del on transcript NM_001927.4 (MANE Select); coding-DNA positions 1158 to 1160, 3 bases deleted (CGA; older notation c.1158_1160delCGA).
Protein change: p.Glu387del; deletes glutamic acid 387.
Molecular consequence: inframe deletion.
Genome position (GRCh38, 1-based): chr2:219,421,474-219,421,476, CGA deleted. VCF-style (leftmost placement, unchanged base first): chr2-219421473-GCGA-G. GRCh37 (hg19) VCF-style: chr2-220286195-GCGA-G.
Other names: c.1158_1160delCGA (NM_001927.3); c.1158_1160del (LRG_380t1); short protein forms E387del.
Identifiers: ClinVar variation 566310 (VCV000566310.9), dbSNP rs1559353314, ClinGen allele CA891843392.
Genomic context (GRCh38, chr2:219,421,473, plus strand): 5'-ACATTGCGCGCCTGGAGGAGGAAATCCGGCACCTCAAGGATGAGATGGCCCGCCATCTGC[GCGA>G]GTACCAGGACCTGCTCAACGTGAAGATGGCCCTGGATGTGGAGATTGCCACCTACCGGAA-3'